The following is an entry in ClinVar:

NM_006231.4(POLE):c.3980T>C (p.Leu1327Pro)

Gene: POLE (DNA polymerase epsilon, catalytic subunit; minus strand). Cytogenetic location: 12q24.33.
Variant type: single nucleotide variant.
Coding change: c.3980T>C on transcript NM_006231.4 (MANE Select); coding-DNA position 3980, T replaced by C.
Protein change: p.Leu1327Pro; replaces leucine 1327 with proline.
Molecular consequence: missense variant.
Genome position (GRCh38, 1-based): chr12:132,649,331, A>G on the plus strand (T>C on the coding strand, the complement: POLE is on the minus strand). VCF-style: chr12-132649331-A-G. GRCh37 (hg19) VCF-style: chr12-133225917-A-G.
Other names: short protein forms L1327P.
Identifiers: ClinVar variation 1736702 (VCV001736702.7), dbSNP rs749981075, ClinGen allele CA6893038.

ClinVar aggregate classification (germline): Uncertain significance. Review status: criteria provided, multiple submitters, no conflicts (2 of 4 stars). 2 submissions from 2 submitters: Uncertain significance (2). Last evaluated 2022-06-29.

Conditions:
Hereditary cancer-predisposing syndrome. Also called: Neoplastic Syndromes, Hereditary; Tumor predisposition; Hereditary Cancer Syndrome; Hereditary neoplastic syndrome. Identifiers: Orphanet 140162, MedGen C0027672, MeSH D009386, MONDO:0015356.

Allele frequency attached by ClinVar (database versions not stated): gnomAD exomes below 0.00001; ExAC 0.00001.
gnomAD v4.1: 1 of 1,613,688 alleles (0.000062%); highest among the groups gnomAD compares: Non-Finnish European, 0.000085%; no homozygotes.

Submissions (2):

Labcorp Genetics (formerly Invitae), Labcorp
Classification: Uncertain significance. Last evaluated: 2022-06-29. Review status: criteria provided, single submitter. Criteria: Invitae Variant Classification Sherloc (09022015). Collection method: clinical testing. Allele origin: germline.
Comment: In summary, the available evidence is currently insufficient to determine the role of this variant in disease. Therefore, it has been classified as a Variant of Uncertain Significance. Algorithms developed to predict the effect of missense changes on protein structure and function (SIFT, PolyPhen-2, Align-GVGD) all suggest that this variant is likely to be tolerated. This variant has not been reported in the literature in individuals affected with POLE-related conditions. The frequency data for this variant in the population databases is considered unreliable, as metrics indicate poor data quality at this position in the gnomAD database. This sequence change replaces leucine, which is neutral and non-polar, with proline, which is neutral and non-polar, at codon 1327 of the POLE protein (p.Leu1327Pro).

Ambry Genetics
Classification: Uncertain significance for Hereditary cancer-predisposing syndrome. Last evaluated: 2022-03-29. Review status: criteria provided, single submitter. Criteria: Ambry Variant Classification Scheme 2023. Collection method: clinical testing. Allele origin: germline.
Comment: The p.L1327P variant (also known as c.3980T>C), located in coding exon 31 of the POLE gene, results from a T to C substitution at nucleotide position 3980. The leucine at codon 1327 is replaced by proline, an amino acid with similar properties. This amino acid position is conserved. In addition, the in silico prediction for this alteration is inconclusive. Since supporting evidence is limited at this time, the clinical significance of this alteration remains unclear.